The following is an entry in ClinVar:

ClinVar aggregate classification (germline): Likely benign (0 of 4 stars; one submission).

Conditions:
MLLT10-related disorder. Also called: MLLT10-related condition.

Allele frequency attached by ClinVar (database versions not stated): 1000 Genomes Project 30x 0.00031; ExAC 0.00039; 1000 Genomes Project 0.00040; TOPMed 0.00048; gnomAD 0.00055; ESP Exome Variant Server 0.00062.
gnomAD v4.1: 1,490 of 1,612,304 alleles (0.092%); highest among the groups gnomAD compares: Non-Finnish European, 0.12%; no homozygotes.

Submissions (2):

PreventionGenetics, part of Exact Sciences
Classification: Likely benign for MLLT10-related condition. Last evaluated: 2024-01-22. Review status: no assertion criteria provided. Collection method: clinical testing. Allele origin: germline.
Comment: This variant is classified as likely benign based on ACMG/AMP sequence variant interpretation guidelines (Richards et al. 2015 PMID: 25741868, with internal and published modifications).

Dr. Peter K. Rogan Lab, Western University
No classification provided (evidence only). Condition: Sarcoma. Review status: no classification provided. Collection method: in vitro. Allele origin: not applicable. Functional consequence: retained intron. Not counted in ClinVar's aggregate classification.

NM_001195626.3(MLLT10):c.1622-4A>G

Gene: MLLT10 (MLLT10 histone lysine methyltransferase DOT1L cofactor; plus strand). Cytogenetic location: 10p12.31.
Variant type: single nucleotide variant.
Coding change: c.1622-4A>G on transcript NM_001195626.3 (MANE Select); 4 bases into the intron before coding-DNA position 1622, A replaced by G.
Molecular consequence: intron variant.
Genome position (GRCh38, 1-based): chr10:21,681,328, A>G. VCF-style: chr10-21681328-A-G. GRCh37 (hg19) VCF-style: chr10-21970257-A-G.
Other names: NC_000010.10:g.21970257A>G; c.887-4A>G (NM_001324297.2); c.1622-4A>G (NM_004641.4).
Identifiers: ClinVar variation 3040443 (VCV003040443.3), dbSNP rs377622136, ClinGen allele CA5434875.
Genomic context (GRCh38, chr10:21,681,328, plus strand): 5'-CTTTTTTTACCCTTGAGTCACTGGCAATTTCTTCACTGATTTCCTTTTTCCTTCCTCTCA[A>G]CAGAAATTTCCATGCAGTATCGGCATGATGGAGCTTGCCCAACAACTAGTAAGTTGTCAA-3'